The following is an entry in ClinVar:

ClinVar aggregate classification (germline): Pathogenic (1 of 4 stars; one submission).

Conditions:
Myoclonic dystonia 11 (DYT11). Also called: DYT-SGCE; Myoclonic dystonia; Dystonia 11; Dystonia, alcohol responsive; Hereditary essential myoclonus; SGCE Myoclonus-Dystonia. Identifiers: Orphanet 36899, MedGen C1834570, MONDO:0008044, OMIM 159900.

Submission:

Labcorp Genetics (formerly Invitae), Labcorp
Classification: Pathogenic for Myoclonic dystonia 11. Last evaluated: 2022-10-20. Review status: criteria provided, single submitter. Criteria: Invitae Variant Classification Sherloc (09022015). Collection method: clinical testing. Allele origin: germline.
Comment: This variant is not present in population databases (gnomAD no frequency). For these reasons, this variant has been classified as Pathogenic. This variant has not been reported in the literature in individuals affected with SGCE-related conditions. This sequence change creates a premature translational stop signal (p.Ser53*) in the SGCE gene. It is expected to result in an absent or disrupted protein product. Loss-of-function variants in SGCE are known to be pathogenic (PMID: 12821748, 15389977, 17853490, 24297365).

Literature cited by the submitters: PubMed 12821748; PubMed 15389977; PubMed 17853490; PubMed 24297365.

NM_003919.3(SGCE):c.158C>A (p.Ser53Ter)

Genes: CASD1 (CAS1 domain sialic acid O acetyltransferase 1; plus strand), SGCE (sarcoglycan epsilon; minus strand). Cytogenetic location: 7q21.3.
Variant type: single nucleotide variant.
Coding change: c.158C>A on transcript NM_003919.3 (MANE Select); coding-DNA position 158, C replaced by A.
Protein change: p.Ser53Ter; replaces serine 53 with a stop codon.
Molecular consequence: nonsense. On other transcripts: 5 prime UTR variant (2), intron variant (2).
Genome position (GRCh38, 1-based): chr7:94,629,793, G>T on the plus strand (C>A on the coding strand, the complement: SGCE is on the minus strand). VCF-style: chr7-94629793-G-T. GRCh37 (hg19) VCF-style: chr7-94259105-G-T.
Other names: c.158C>A, p.Ser53Ter (NM_001099400.2, NM_001099401.2, NM_001346717.2); c.266C>A, p.Ser89Ter (NM_001346713.2, NM_001346715.2); c.71C>A, p.Ser24Ter (NM_001346719.2, NM_001362807.2); c.-116C>A (NM_001346720.2, NM_001362808.2); c.110-1434C>A (NM_001362809.2, NM_001301139.2); short protein forms S53*, S24*, S89*.
Identifiers: ClinVar variation 2036303 (VCV002036303.4), dbSNP rs1231727428, ClinGen allele CA368239416.